The following is an entry in ClinVar:

NM_004795.4(KL):c.1188A>G (p.Gln396=)

Gene: KL (klotho; plus strand). Cytogenetic location: 13q13.1.
Variant type: single nucleotide variant.
Coding change: c.1188A>G on transcript NM_004795.4 (MANE Select); coding-DNA position 1188, A replaced by G.
Protein change: p.Gln396=; no amino-acid change (glutamine 396 retained).
Molecular consequence: synonymous variant.
Genome position (GRCh38, 1-based): chr13:33,054,135, A>G. VCF-style: chr13-33054135-A-G. GRCh37 (hg19) VCF-style: chr13-33628272-A-G.
Identifiers: ClinVar variation 881861 (VCV000881861.35), dbSNP rs139912465, ClinGen allele CA6944054.

ClinVar aggregate classification (germline): Conflicting classifications of pathogenicity. Review status: criteria provided, conflicting classifications (1 of 4 stars). 5 submissions from 5 submitters: Uncertain significance (1); Benign (1); Likely benign (2). 1 of the submissions does not count toward it. Last evaluated 2026-01-24.

Conditions:
KL-related disorder. Also called: KL-related condition.
Tumoral calcinosis, hyperphosphatemic, familial, 3. Identifiers: MedGen C4693864, MONDO:0060715, OMIM 617994.

Allele frequency attached by ClinVar (database versions not stated): 1000 Genomes Project 30x 0.00016; 1000 Genomes Project 0.00020; gnomAD 0.00051 and 0.00053; TOPMed 0.00054; gnomAD exomes 0.00064; ExAC 0.00067; ESP Exome Variant Server 0.00077.
gnomAD v4.1: 1,182 of 1,614,104 alleles (0.073%); highest among the groups gnomAD compares: Non-Finnish European, 0.089%; 1 homozygote.

Submissions (5):

Labcorp Genetics (formerly Invitae), Labcorp
Classification: Benign. Last evaluated: 2026-01-24. Review status: criteria provided, single submitter. Criteria: Invitae Variant Classification Sherloc (09022015). Collection method: clinical testing. Allele origin: germline.

Blueprint Genetics
Classification: Likely benign. Last evaluated: 2024-10-29. Review status: criteria provided, single submitter. Criteria: ACMG Guidelines, 2015. Collection method: clinical testing. Allele origin: germline.

CeGaT Center for Human Genetics Tuebingen
Classification: Likely benign. Last evaluated: 2023-12-01. Review status: criteria provided, single submitter. Criteria: CeGaT Center For Human Genetics Tuebingen Variant Classification Criteria Version 2. Collection method: clinical testing. Allele origin: germline. Affected: yes. Observed: 1 variant allele.
Comment: KL: BP4, BP7

Illumina Laboratory Services, Illumina
Classification: Uncertain significance for Tumoral calcinosis, hyperphosphatemic, familial, 3. Last evaluated: 2018-01-13. Review status: criteria provided, single submitter. Criteria: ICSL Variant Classification Criteria 13 December 2019. Collection method: clinical testing. Allele origin: germline.

PreventionGenetics, part of Exact Sciences
Classification: Likely benign for KL-related condition. Last evaluated: 2023-12-21. Review status: no assertion criteria provided. Collection method: clinical testing. Allele origin: germline. Not counted in ClinVar's aggregate classification.
Comment: This variant is classified as likely benign based on ACMG/AMP sequence variant interpretation guidelines (Richards et al. 2015 PMID: 25741868, with internal and published modifications).